The following is an entry in ClinVar:

ClinVar aggregate classification (germline): Uncertain significance (1 of 4 stars; one submission).

Conditions:
Neuropathy, hereditary motor and sensory, type 6B (HMSN6B). Also called: HMSN VIB; CHARCOT-MARIE-TOOTH DISEASE, TYPE 6B; NEUROPATHY, HEREDITARY MOTOR AND SENSORY, TYPE VIB, WITH OPTIC ATROPHY; Neuropathy, hereditary motor and sensory, type VIB. Identifiers: MedGen C4225302, MONDO:0014671, OMIM 616505.

Allele frequency attached by ClinVar (database versions not stated): ExAC 0.00001; gnomAD 0.00001; TOPMed 0.00001.

Submission:

Labcorp Genetics (formerly Invitae), Labcorp
Classification: Uncertain significance for Neuropathy, hereditary motor and sensory, type 6B. Last evaluated: 2018-10-31. Review status: criteria provided, single submitter. Criteria: Invitae Variant Classification Sherloc (09022015). Collection method: clinical testing. Allele origin: germline.
Comment: In summary, the available evidence is currently insufficient to determine the role of this variant in disease. Therefore, it has been classified as a Variant of Uncertain Significance. Algorithms developed to predict the effect of missense changes on protein structure and function are either unavailable or do not agree on the potential impact of this missense change (SIFT: "Deleterious"; PolyPhen-2: "Benign"; Align-GVGD: "Class C0"). This variant has not been reported in the literature in individuals with SLC25A46-related disease. This variant is present in population databases (rs768960064, ExAC 0.01%). This sequence change replaces isoleucine with phenylalanine at codon 105 of the SLC25A46 protein (p.Ile105Phe). The isoleucine residue is highly conserved and there is a small physicochemical difference between isoleucine and phenylalanine.

NM_138773.4(SLC25A46):c.313A>T (p.Ile105Phe)

Gene: SLC25A46 (solute carrier family 25 member 46; plus strand). Cytogenetic location: 5q22.1.
Variant type: single nucleotide variant.
Coding change: c.313A>T on transcript NM_138773.4 (MANE Select); coding-DNA position 313, A replaced by T.
Protein change: p.Ile105Phe; replaces isoleucine 105 with phenylalanine.
Molecular consequence: missense variant. On other transcripts: non-coding transcript variant (1).
Genome position (GRCh38, 1-based): chr5:110,742,076, A>T. VCF-style: chr5-110742076-A-T. GRCh37 (hg19) VCF-style: chr5-110077777-A-T.
Other names: c.313A>T, p.Ile105Phe (NM_001303249.3); c.40A>T, p.Ile14Phe (NM_001303250.3); short protein forms I105F, I14F.
Identifiers: ClinVar variation 652335 (VCV000652335.9), dbSNP rs768960064, ClinGen allele CA3364533.